The following is an entry in ClinVar:

NM_014874.4(MFN2):c.597C>G (p.Asp199Glu)

Gene: MFN2 (mitofusin 2; plus strand). Cytogenetic location: 1p36.22.
Variant type: single nucleotide variant.
Coding change: c.597C>G on transcript NM_014874.4 (MANE Select); coding-DNA position 597, C replaced by G.
Protein change: p.Asp199Glu; replaces aspartic acid 199 with glutamic acid.
Molecular consequence: missense variant.
Genome position (GRCh38, 1-based): chr1:11,997,419, C>G. VCF-style: chr1-11997419-C-G. GRCh37 (hg19) VCF-style: chr1-12057476-C-G.
Other names: c.597C>G, p.Asp199Glu (NM_001127660.2); short protein forms D199E.
Identifiers: ClinVar variation 956432 (VCV000956432.14), dbSNP rs1205882839, ClinGen allele CA338437117.

ClinVar aggregate classification (germline): Conflicting classifications of pathogenicity. Review status: criteria provided, conflicting classifications (1 of 4 stars). 2 submissions from 2 submitters: Likely pathogenic (1); Uncertain significance (1). Last evaluated 2025-01-02.

Conditions:
Charcot-Marie-Tooth disease type 2A2. Also called: CHARCOT-MARIE-TOOTH DISEASE, AXONAL, TYPE 2A2; CHARCOT-MARIE-TOOTH DISEASE, NEURONAL, TYPE 2A2; HEREDITARY MOTOR AND SENSORY NEUROPATHY IIA2; HMSN IIA2; CHARCOT-MARIE-TOOTH DISEASE, AXONAL, AUTOSOMAL DOMINANT, TYPE 2A2A; Charcot-Marie-Tooth Neuropathy Type 2A2. Identifiers: Orphanet 99947, MedGen C4721887, MONDO:0012231, OMIM 609260.
Charcot-Marie-Tooth disease type 2. Also called: Charcot-Marie-Tooth type 2. Identifiers: Orphanet 64746, MedGen C0270914, MONDO:0018993.

gnomAD v4.1: 1 of 1,614,104 alleles (0.000062%); highest among the groups gnomAD compares: Non-Finnish European, 0.000085%; no homozygotes.

Submissions (2):

Institute of Human Genetics Munich, TUM University Hospital
Classification: Likely pathogenic for Charcot-Marie-Tooth disease type 2A2. Last evaluated: 2025-01-02. Review status: criteria provided, single submitter. Criteria: Classification criteria August 2017. Collection method: clinical testing. Allele origin: germline. Inheritance: Autosomal dominant inheritance. Affected: yes. Observed: 1 variant allele.

Labcorp Genetics (formerly Invitae), Labcorp
Classification: Uncertain significance for Charcot-Marie-Tooth disease type 2. Last evaluated: 2022-08-23. Review status: criteria provided, single submitter. Criteria: Invitae Variant Classification Sherloc (09022015). Collection method: clinical testing. Allele origin: germline.
Comment: ClinVar contains an entry for this variant (Variation ID: 956432). In summary, the available evidence is currently insufficient to determine the role of this variant in disease. Therefore, it has been classified as a Variant of Uncertain Significance. Algorithms developed to predict the effect of missense changes on protein structure and function (SIFT, PolyPhen-2, Align-GVGD) all suggest that this variant is likely to be disruptive. This missense change has been observed in individual(s) with autosomal dominant Charcot-Marie-Tooth disease type 2A (PMID: 33415332). This variant is not present in population databases (gnomAD no frequency). This sequence change replaces aspartic acid, which is acidic and polar, with glutamic acid, which is acidic and polar, at codon 199 of the MFN2 protein (p.Asp199Glu).

Literature cited by the submitters: PubMed 33415332 (cited by Labcorp Genetics (formerly Invitae), Labcorp).